The following is an entry in ClinVar:

NM_006846.4(SPINK5):c.2965-10G>C

Gene: SPINK5 (serine peptidase inhibitor Kazal type 5; plus strand). Cytogenetic location: 5q32.
Variant type: single nucleotide variant.
Coding change: c.2965-10G>C on transcript NM_006846.4 (MANE Select); 10 bases into the intron before coding-DNA position 2965, G replaced by C.
Molecular consequence: intron variant.
Genome position (GRCh38, 1-based): chr5:148,131,249, G>C. VCF-style: chr5-148131249-G-C. GRCh37 (hg19) VCF-style: chr5-147510812-G-C.
Other names: p.?; c.3055-10G>C (NM_001127698.2).
Identifiers: ClinVar variation 260054 (VCV000260054.18), dbSNP rs58888156, ClinGen allele CA3496210.
Genomic context (GRCh38, chr5:148,131,249, plus strand): 5'-AGGTTTTCTTAAGCCCACCCCTCTTCTTGAATGCCATAAAGTACGTCTGCTTTATTTTTT[G>C]CTTCTTCAGGATTCTGAGATGTGCAAAGACTACCGAGTATTGCCCAGGATAGGTTATCTT-3'

ClinVar aggregate classification (germline): Benign. Review status: criteria provided, multiple submitters, no conflicts (2 of 4 stars). 6 submissions from 6 submitters: Benign (6). Last evaluated 2026-02-02.

Conditions:
Ichthyosis linearis circumflexa. Identifiers: MedGen C0265962, MONDO:0043106, HP:0025810.
Netherton syndrome (NETH). Also called: NETHERTON DISEASE; ERYTHRODERMA, ICHTHYOSIFORM, WITH HYPOTRICHOSIS AND HYPER-IgE; COMEL-NETHERTON SYNDROME. Identifiers: Orphanet 634, MedGen C5574950, MONDO:0009735, OMIM 256500.

Allele frequency attached by ClinVar (database versions not stated): gnomAD exomes 0.01039 and 0.00391; gnomAD 0.04288 and 0.03997; ESP Exome Variant Server 0.04405; ExAC 0.01254; 1000 Genomes Project 0.04313; 1000 Genomes Project 30x 0.04575; TOPMed 0.04634.

Submissions (6):

Labcorp Genetics (formerly Invitae), Labcorp
Classification: Benign for Ichthyosis linearis circumflexa. Last evaluated: 2026-02-02. Review status: criteria provided, single submitter. Criteria: Invitae Variant Classification Sherloc (09022015). Collection method: clinical testing. Allele origin: germline.

Women's Health and Genetics/Laboratory Corporation of America, LabCorp
Classification: Benign. Last evaluated: 2026-01-22. Review status: criteria provided, single submitter. Criteria: LabCorp Variant Classification Summary - May 2015. Collection method: clinical testing. Allele origin: germline.

Mayo Clinic Laboratories, Mayo Clinic
Classification: Benign. Last evaluated: 2024-10-10. Review status: criteria provided, single submitter. Criteria: ACMG Guidelines, 2015. Collection method: clinical testing. Allele origin: germline. Observed: 5 variant alleles.

Illumina Laboratory Services, Illumina
Classification: Benign for Netherton syndrome. Last evaluated: 2018-01-13. Review status: criteria provided, single submitter. Criteria: ICSL Variant Classification Criteria 13 December 2019. Collection method: clinical testing. Allele origin: germline.
Comment: This variant was observed in the ICSL laboratory as part of a predisposition screen in an ostensibly healthy population. It had not been previously curated by ICSL or reported in the Human Gene Mutation Database (HGMD: prior to June 1st, 2018), and was therefore a candidate for classification through an automated scoring system. Utilizing variant allele frequency, disease prevalence and penetrance estimates, and inheritance mode, an automated score was calculated to assess if this variant is too frequent to cause the disease. Based on the score and internal cut-off values, a variant classified as benign is not then subjected to further curation. The score for this variant resulted in a classification of benign for this disease.

GeneDx
Classification: Benign. Last evaluated: 2015-03-03. Review status: criteria provided, single submitter. Criteria: GeneDx Variant Classification Process June 2021. Collection method: clinical testing. Allele origin: germline. Affected: yes.

PreventionGenetics, part of Exact Sciences
Classification: Benign. Review status: criteria provided, single submitter. Criteria: ACMG Guidelines, 2015. Collection method: clinical testing. Allele origin: germline.